The following is an entry in ClinVar:

NM_004380.3(CREBBP):c.5306G>A (p.Arg1769Gln)

Gene: CREBBP (CREB binding lysine acetyltransferase; minus strand). Cytogenetic location: 16p13.3.
Variant type: single nucleotide variant.
Coding change: c.5306G>A on transcript NM_004380.3 (MANE Select); coding-DNA position 5306, G replaced by A.
Protein change: p.Arg1769Gln; replaces arginine 1769 with glutamine.
Molecular consequence: missense variant.
Genome position (GRCh38, 1-based): chr16:3,729,741, C>T on the plus strand (G>A on the coding strand, the complement: CREBBP is on the minus strand). VCF-style: chr16-3729741-C-T. GRCh37 (hg19) VCF-style: chr16-3779742-C-T.
Other names: c.5306G>A (NM_004380.2); c.5192G>A, p.Arg1731Gln (NM_001079846.1); short protein forms R1731Q, R1769Q.
Identifiers: ClinVar variation 4928319 (VCV004928319.2).

ClinVar aggregate classification (germline): Uncertain significance. Review status: criteria provided, multiple submitters, no conflicts (2 of 4 stars). 2 submissions from 2 submitters: Uncertain significance (2). Last evaluated 2025-11-17.

Conditions:
CREBBP-related disorder. Also called: CREBBP-related disorders; CREBBP-related condition.

gnomAD v4.1: 1 of 1,608,666 alleles (0.000062%); highest among the groups gnomAD compares: Non-Finnish European, 0.000085%; no homozygotes.

Submissions (2):

PreventionGenetics, part of Exact Sciences
Classification: Uncertain significance for CREBBP-related condition. Last evaluated: 2025-11-17. Review status: criteria provided, single submitter. Criteria: ACMG Guidelines, 2015. Collection method: clinical testing. Allele origin: germline.
Comment: The CREBBP c.5306G>A variant is predicted to result in the amino acid substitution p.Arg1769Gln. To our knowledge, this variant has not been reported in the literature or in a large population database, indicating this variant is rare. At this time, the clinical significance of this variant is uncertain due to the absence of conclusive functional and genetic evidence.

Blueprint Genetics
Classification: Uncertain significance. Last evaluated: 2023-07-05. Review status: criteria provided, single submitter. Criteria: ACMG Guidelines, 2015. Collection method: clinical testing. Allele origin: germline.